The following is an entry in ClinVar:

ClinVar aggregate classification (germline): Uncertain significance (1 of 4 stars; one submission).

Conditions:
Hereditary cancer-predisposing syndrome. Also called: Tumor predisposition; Hereditary Cancer Syndrome; Neoplastic Syndromes, Hereditary; Hereditary neoplastic syndrome. Identifiers: Orphanet 140162, MedGen C0027672, MeSH D009386, MONDO:0015356.

Submission:

Labcorp Genetics (formerly Invitae), Labcorp
Classification: Uncertain significance for Hereditary cancer-predisposing syndrome. Last evaluated: 2021-12-24. Review status: criteria provided, single submitter. Criteria: Invitae Variant Classification Sherloc (09022015). Collection method: clinical testing. Allele origin: germline.
Comment: This sequence change replaces glutamine, which is neutral and polar, with glutamic acid, which is acidic and polar, at codon 298 of the RAD50 protein (p.Gln298Glu). This variant is not present in population databases (gnomAD no frequency). This variant has not been reported in the literature in individuals affected with RAD50-related conditions. Algorithms developed to predict the effect of missense changes on protein structure and function are either unavailable or do not agree on the potential impact of this missense change (SIFT: "Tolerated"; PolyPhen-2: "Possibly Damaging"; Align-GVGD: "Class C0"). In summary, the available evidence is currently insufficient to determine the role of this variant in disease. Therefore, it has been classified as a Variant of Uncertain Significance.

NM_005732.4(RAD50):c.892C>G (p.Gln298Glu)

Gene: RAD50 (RAD50 double strand break repair protein; plus strand). Cytogenetic location: 5q31.1.
Variant type: single nucleotide variant.
Coding change: c.892C>G on transcript NM_005732.4 (MANE Select); coding-DNA position 892, C replaced by G.
Protein change: p.Gln298Glu; replaces glutamine 298 with glutamic acid.
Molecular consequence: missense variant.
Genome position (GRCh38, 1-based): chr5:132,587,930, C>G. VCF-style: chr5-132587930-C-G. GRCh37 (hg19) VCF-style: chr5-131923622-C-G.
Other names: short protein forms Q298E.
Identifiers: ClinVar variation 2058138 (VCV002058138.4), dbSNP rs2479632382, ClinGen allele CA360940750.
Genomic context (GRCh38, chr5:132,587,930, plus strand): 5'-GATCATATTTTCTTATGTTTGTACATTAAAGCTTTTTATTTTGGTGTTACACAGGTTTTT[C>G]AAGGGACTGATGAGCAACTAAATGACTTATATCACAATCACCAGAGAACAGTAAGGGAGA-3'
Protein context (NP_005723.2, residues 288-308): ELEEKMEKVF[Gln298Glu]GTDEQLNDLY